The following is an entry in ClinVar:

ClinVar aggregate classification (germline): Uncertain significance (1 of 4 stars; one submission).

Conditions:
Autosomal dominant hypocalcemia 1 (HYPOC1). Also called: HYPOCALCEMIA, FAMILIAL. Identifiers: MedGen C3715128, MONDO:0011013, OMIM 601198.
Familial hypocalciuric hypercalcemia (FHH). Also called: Familial benign hypercalcemia. Identifiers: Orphanet 405, MedGen C1809471, MONDO:0018458.

Submission:

Labcorp Genetics (formerly Invitae), Labcorp
Classification: Uncertain significance for Familial hypocalciuric hypercalcemia; Autosomal dominant hypocalcemia 1. Last evaluated: 2021-04-28. Review status: criteria provided, single submitter. Criteria: Invitae Variant Classification Sherloc (09022015). Collection method: clinical testing. Allele origin: germline.
Comment: This sequence change replaces isoleucine with asparagine at codon 859 of the CASR protein (p.Ile859Asn). The isoleucine residue is highly conserved and there is a large physicochemical difference between isoleucine and asparagine. This variant is not present in population databases (ExAC no frequency). This variant has not been reported in the literature in individuals with CASR-related conditions. Algorithms developed to predict the effect of missense changes on protein structure and function are either unavailable or do not agree on the potential impact of this missense change (SIFT: "Deleterious"; PolyPhen-2: "Probably Damaging"; Align-GVGD: "Class C0"). In summary, the available evidence is currently insufficient to determine the role of this variant in disease. Therefore, it has been classified as a Variant of Uncertain Significance.

NM_000388.4(CASR):c.2576T>A (p.Ile859Asn)

Gene: CASR (calcium sensing receptor; plus strand). Cytogenetic location: 3q21.1.
Variant type: single nucleotide variant.
Coding change: c.2576T>A on transcript NM_000388.4 (MANE Select); coding-DNA position 2576, T replaced by A.
Protein change: p.Ile859Asn; replaces isoleucine 859 with asparagine.
Molecular consequence: missense variant.
Genome position (GRCh38, 1-based): chr3:122,284,530, T>A. VCF-style: chr3-122284530-T-A. GRCh37 (hg19) VCF-style: chr3-122003377-T-A.
Other names: c.2606T>A, p.Ile869Asn (NM_001178065.2); short protein forms I859N, I869N.
Identifiers: ClinVar variation 1501934 (VCV001501934.8), dbSNP rs2107650756, ClinGen allele CA354160326.